The following is an entry in ClinVar:

NM_001163435.3(TBCK):c.1039C>T (p.Arg347Ter)

Gene: TBCK (TBC1 domain containing kinase; minus strand). Cytogenetic location: 4q24.
Variant type: single nucleotide variant.
Coding change: c.1039C>T on transcript NM_001163435.3 (MANE Select); coding-DNA position 1039, C replaced by T.
Protein change: p.Arg347Ter; replaces arginine 347 with a stop codon.
Molecular consequence: nonsense.
Genome position (GRCh38, 1-based): chr4:106,244,657, G>A on the plus strand (C>T on the coding strand, the complement: TBCK is on the minus strand). VCF-style: chr4-106244657-G-A. GRCh37 (hg19) VCF-style: chr4-107165814-G-A.
Other names: NM_001163435.3(TBCK):c.1039C>T; p.Arg347Ter; c.1039C>T, p.Arg347Ter (NM_001163436.4); c.922C>T, p.Arg308Ter (NM_001163437.3); c.523C>T, p.Arg175Ter (NM_001290768.2); c.850C>T, p.Arg284Ter (NM_033115.5); short protein forms R347*, R175*, R308*, R284*.
Identifiers: ClinVar variation 430512 (VCV000430512.9), dbSNP rs762552974, ClinGen allele CA3035219.

ClinVar aggregate classification (germline): Pathogenic. Review status: criteria provided, multiple submitters, no conflicts (2 of 4 stars). 4 submissions from 4 submitters: Pathogenic (4). Last evaluated 2025-06-22.

Conditions:
Hypotonia, infantile, with psychomotor retardation and characteristic facies 3 (IHPRF3). Also called: TBCK-Related Neurodevelopmental Disorder. Identifiers: Orphanet 488632, MedGen C5567480, MONDO:0014823, OMIM 616900.
Global developmental delay (DD). Also called: Cognitive delay. Identifiers: MedGen C0557874, HP:0001263. Disease mechanism: loss of function.

Allele frequency attached by ClinVar (database versions not stated): gnomAD exomes below 0.00001 and 0.00001; TOPMed below 0.00001; ExAC 0.00001; gnomAD 0.00001.
gnomAD v4.1: 11 of 1,611,432 alleles (0.00068%); highest among the groups gnomAD compares: East Asian, 0.0045%; no homozygotes.

Submissions (4):

Labcorp Genetics (formerly Invitae), Labcorp
Classification: Pathogenic. Last evaluated: 2025-06-22. Review status: criteria provided, single submitter. Criteria: Invitae Variant Classification Sherloc (09022015). Collection method: clinical testing. Allele origin: germline.
Comment: This sequence change creates a premature translational stop signal (p.Arg347*) in the TBCK gene. It is expected to result in an absent or disrupted protein product. Loss-of-function variants in TBCK are known to be pathogenic (PMID: 27040692, 30103036). The frequency data for this variant in the population databases is considered unreliable, as metrics indicate poor data quality at this position in the gnomAD database. This variant has not been reported in the literature in individuals affected with TBCK-related conditions. ClinVar contains an entry for this variant (Variation ID: 430512). For these reasons, this variant has been classified as Pathogenic.

Broad Center for Mendelian Genomics, Broad Institute of MIT and Harvard
Classification: Pathogenic for Hypotonia, infantile, with psychomotor retardation and characteristic facies 3. Last evaluated: 2025-01-14. Review status: criteria provided, single submitter. Criteria: ACMG Guidelines, 2015. Collection method: curation. Allele origin: germline. Inheritance: Autosomal recessive inheritance.
Comment: The p.Arg347Ter variant in TBCK has been reported, in the compound heterozygous state, in one individual with TBCK-related intellectual disability syndrome (PMID: 35305867), and has been identified in 0.004% (2/44724) of East Asian chromosomes by the Genome Aggregation Database (gnomAD; dbSNP ID: rs762552974). Although this variant has been seen in the general population in a heterozygous state, its frequency is low enough to be consistent with a recessive carrier frequency. This variant has also been reported in ClinVar (Variation ID: 430512) and has been interpreted as pathogenic by Invitae, GeneDx, and Center for Pediatric Genomic Medicine (Children's Mercy Hospital and Clinics). This nonsense variant leads to a premature termination codon at position 347, which is predicted to lead to a truncated or absent protein. Loss of function of the TBCK gene is an established disease mechanism in autosomal recessive TBCK-related intellectual disability syndrome. In summary, this variant meets criteria to be classified as pathogenic for autosomal recessive TBCK-related intellectual disability syndrome. ACMG/AMP Criteria applied: PVS1, PM3, PM2_supporting (Richards 2015).

Center for Pediatric Genomic Medicine, Children's Mercy Hospital and Clinics
Classification: Pathogenic for Global developmental delay. Last evaluated: 2021-10-15. Review status: criteria provided, single submitter. Criteria: ACMG Guidelines, 2015. Collection method: clinical testing. Allele origin: germline. Affected: yes.

GeneDx
Classification: Pathogenic. Last evaluated: 2018-03-30. Review status: criteria provided, single submitter. Criteria: GeneDx Variant Classification (06012015). Collection method: clinical testing. Allele origin: germline. Affected: yes.
Comment: The R347X variant in the TBCK gene has not been reported previously as a pathogenic variant nor as a benign variant, to our knowledge. This variant is predicted to cause loss of normal protein function either through protein truncation or nonsense-mediated mRNA decay. The R347X variant is not observed at a significant frequency in large population cohorts (Lek et al., 2016; 1000 Genomes Consortium et al., 2015; Exome Variant Server). We interpret R347X as a pathogenic variant.

Literature cited by the submitters: PubMed 27040692 (cited by Labcorp Genetics (formerly Invitae), Labcorp); PubMed 30103036 (cited by Labcorp Genetics (formerly Invitae), Labcorp).